The following is an entry in ClinVar:

ClinVar aggregate classification (germline): Uncertain significance (1 of 4 stars; one submission).

Submission:

Labcorp Genetics (formerly Invitae), Labcorp
Classification: Uncertain significance. Last evaluated: 2024-10-30. Review status: criteria provided, single submitter. Criteria: Invitae Variant Classification Sherloc (09022015). Collection method: clinical testing. Allele origin: germline.
Comment: This sequence change replaces threonine, which is neutral and polar, with isoleucine, which is neutral and non-polar, at codon 27 of the GUCA1A protein (p.Thr27Ile). This variant is present in population databases (rs781405498, gnomAD 0.0009%). This variant has not been reported in the literature in individuals affected with GUCA1A-related conditions. An algorithm developed to predict the effect of missense changes on protein structure and function (PolyPhen-2) suggests that this variant is likely to be tolerated. In summary, the available evidence is currently insufficient to determine the role of this variant in disease. Therefore, it has been classified as a Variant of Uncertain Significance.

NM_001384910.1(GUCA1A):c.80C>T (p.Thr27Ile)

Genes: GUCA1A (guanylate cyclase activator 1A; plus strand), GUCA1ANB-GUCA1A (GUCA1ANB-GUCA1A readthrough; plus strand). Cytogenetic location: 6p21.1.
Variant type: single nucleotide variant.
Coding change: c.80C>T on transcript NM_001384910.1 (MANE Select); coding-DNA position 80, C replaced by T.
Protein change: p.Thr27Ile; replaces threonine 27 with isoleucine.
Molecular consequence: missense variant.
Genome position (GRCh38, 1-based): chr6:42,173,693, C>T. VCF-style: chr6-42173693-C-T. GRCh37 (hg19) VCF-style: chr6-42141431-C-T.
Other names: c.80C>T, p.Thr27Ile (NM_000409.5, NM_001319061.2, NM_001319062.2); short protein forms T27I.
Identifiers: ClinVar variation 3608577 (VCV003608577.2).